The following is an entry in ClinVar:

NM_006231.4(POLE):c.6536G>A (p.Gly2179Glu)

Gene: POLE (DNA polymerase epsilon, catalytic subunit; minus strand). Cytogenetic location: 12q24.33.
Variant type: single nucleotide variant.
Coding change: c.6536G>A on transcript NM_006231.4 (MANE Select); coding-DNA position 6536, G replaced by A.
Protein change: p.Gly2179Glu; replaces glycine 2179 with glutamic acid.
Molecular consequence: missense variant.
Genome position (GRCh38, 1-based): chr12:132,625,766, C>T on the plus strand (G>A on the coding strand, the complement: POLE is on the minus strand). VCF-style: chr12-132625766-C-T. GRCh37 (hg19) VCF-style: chr12-133202352-C-T.
Other names: c.6536G>A (NM_006231.2); short protein forms G2179E.
Identifiers: ClinVar variation 2125331 (VCV002125331.4), dbSNP rs775303473, ClinGen allele CA387366961.

ClinVar aggregate classification (germline): Uncertain significance. Review status: criteria provided, multiple submitters, no conflicts (2 of 4 stars). 2 submissions from 2 submitters: Uncertain significance (2). Last evaluated 2025-12-21.

Conditions:
Hereditary cancer-predisposing syndrome. Also called: Hereditary neoplastic syndrome; Neoplastic Syndromes, Hereditary; Tumor predisposition; Hereditary Cancer Syndrome. Identifiers: Orphanet 140162, MedGen C0027672, MeSH D009386, MONDO:0015356.

Submissions (2):

Ambry Genetics
Classification: Uncertain significance for Hereditary cancer-predisposing syndrome. Last evaluated: 2025-12-21. Review status: criteria provided, single submitter. Criteria: Ambry Variant Classification Scheme 2023. Collection method: clinical testing. Allele origin: germline.
Comment: The p.G2179E variant (also known as c.6536G>A), located in coding exon 47 of the POLE gene, results from a G to A substitution at nucleotide position 6536. The glycine at codon 2179 is replaced by glutamic acid, an amino acid with similar properties. This amino acid position is conserved. In addition, the in silico prediction for this alteration is inconclusive. Based on the available evidence, the clinical significance of this variant remains unclear.

Labcorp Genetics (formerly Invitae), Labcorp
Classification: Uncertain significance. Last evaluated: 2022-04-12. Review status: criteria provided, single submitter. Criteria: Invitae Variant Classification Sherloc (09022015). Collection method: clinical testing. Allele origin: germline.
Comment: In summary, the available evidence is currently insufficient to determine the role of this variant in disease. Therefore, it has been classified as a Variant of Uncertain Significance. Algorithms developed to predict the effect of missense changes on protein structure and function (SIFT, PolyPhen-2, Align-GVGD) all suggest that this variant is likely to be tolerated. This variant has not been reported in the literature in individuals affected with POLE-related conditions. This variant is not present in population databases (gnomAD no frequency). This sequence change replaces glycine, which is neutral and non-polar, with glutamic acid, which is acidic and polar, at codon 2179 of the POLE protein (p.Gly2179Glu).